The following is an entry in ClinVar:

NM_002941.4(ROBO1):c.4478del (p.Pro1493fs)

Gene: ROBO1 (roundabout guidance receptor 1; minus strand). Cytogenetic location: 3p12.3.
Variant type: Deletion.
Coding change: c.4478del on transcript NM_002941.4 (MANE Select); coding-DNA position 4478, one base deleted (C; older notation c.4478delC).
Protein change: p.Pro1493fs; shifts the reading frame from proline 1493.
Molecular consequence: frameshift variant.
Genome position (GRCh38, 1-based): chr3:78,606,999, G deleted on the plus strand (C on the coding strand, the reverse complement: ROBO1 is on the minus strand); the first of 2 consecutive G bases (chr3:78,606,999-78,607,000); deleting either gives the same sequence. VCF-style (leftmost placement, unchanged base first): chr3-78606998-AG-A. GRCh37 (hg19) VCF-style: chr3-78656148-AG-A.
Other names: c.4178del, p.Pro1393fs (NM_001145845.2); c.4343del, p.Pro1448fs (NM_133631.4); short protein forms P1393fs, P1448fs, P1493fs.
Identifiers: ClinVar variation 4072288 (VCV004072288.1).

ClinVar aggregate classification (germline): Likely pathogenic (1 of 4 stars; one submission).

Conditions:
Neurooculorenal syndrome (NORS). Identifiers: MedGen C5830377, MONDO:0957210, OMIM 620305.

Submission:

3billion
Classification: Likely pathogenic for Neurooculorenal syndrome. Last evaluated: 2024-07-25. Review status: criteria provided, single submitter. Criteria: ACMG Guidelines, 2015. Collection method: clinical testing. Allele origin: germline. Affected: yes.
Comment: The variant is not observed in the gnomAD v4.0.0 dataset. Predicted Consequence/Location: Frameshift: predicted to result in a loss or disruption of normal protein function through nonsense-mediated decay (NMD) or protein truncation. Multiple pathogenic variants are reported downstream of the variant. Therefore, this variant is classified as Likely pathogenic according to the recommendation of ACMG/AMP guideline.